The following is an entry in ClinVar:

NM_001277115.2(DNAH11):c.9364T>C (p.Ser3122Pro)

Gene: DNAH11 (dynein axonemal heavy chain 11; plus strand). Cytogenetic location: 7p15.3.
Variant type: single nucleotide variant.
Coding change: c.9364T>C on transcript NM_001277115.2 (MANE Select); coding-DNA position 9364, T replaced by C.
Protein change: p.Ser3122Pro; replaces serine 3122 with proline.
Molecular consequence: missense variant.
Genome position (GRCh38, 1-based): chr7:21,778,985, T>C. VCF-style: chr7-21778985-T-C. GRCh37 (hg19) VCF-style: chr7-21818603-T-C.
Other names: c.9364T>C (NM_001277115.1); c.9385T>C, p.Ser3129Pro (NM_003777.3); short protein forms S3122P, S3129P.
Identifiers: ClinVar variation 2730291 (VCV002730291.5), dbSNP rs1484104041, ClinGen allele CA366937613.
Genomic context (GRCh38, chr7:21,778,985, plus strand): 5'-CCAGTGACGTAAGAATAATGACTTTTGCTTTAGGTGGGAGATCTAAAAGCCAGACTTGCC[T>C]CTCAAGAAGCCGAGCTGCAACTGAGAAATCATGATGCCGAAGCTCTGATCACAAAGATCG-3'
Protein context (NP_001264044.1, residues 3112-3132): QVGDLKARLA[Ser3122Pro]QEAELQLRNH

ClinVar aggregate classification (germline): Conflicting classifications of pathogenicity. Review status: criteria provided, conflicting classifications (1 of 4 stars). 3 submissions from 3 submitters: Uncertain significance (1); Benign (1). 1 of the submissions does not count toward it. Last evaluated 2025-09-25.

Conditions:
DNAH11-related disorder. Also called: DNAH11-related condition.
Primary ciliary dyskinesia. Also called: Ciliary dyskinesia. Identifiers: Orphanet 244, MedGen C0008780, MONDO:0016575, HP:0012265.

Allele frequency attached by ClinVar (database versions not stated): gnomAD 0.00001; TOPMed 0.00001.
gnomAD v4.1: 74 of 1,613,156 alleles (0.0046%); highest among the groups gnomAD compares: Non-Finnish European, 0.006%; 1 homozygote.

Submissions (3):

Ambry Genetics
Classification: Uncertain significance for Primary ciliary dyskinesia. Last evaluated: 2025-09-25. Review status: criteria provided, single submitter. Criteria: Ambry Variant Classification Scheme 2023. Collection method: clinical testing. Allele origin: germline.

Labcorp Genetics (formerly Invitae), Labcorp
Classification: Benign for Primary ciliary dyskinesia. Last evaluated: 2023-02-17. Review status: criteria provided, single submitter. Criteria: Invitae Variant Classification Sherloc (09022015). Collection method: clinical testing. Allele origin: germline.

PreventionGenetics, part of Exact Sciences
Classification: Uncertain significance for DNAH11-related condition. Last evaluated: 2024-01-09. Review status: no assertion criteria provided. Collection method: clinical testing. Allele origin: germline. Not counted in ClinVar's aggregate classification.
Comment: The DNAH11 c.9364T>C variant is predicted to result in the amino acid substitution p.Ser3122Pro. To our knowledge, this variant has not been reported in the literature. This variant is reported in 0.0057% of alleles in individuals of Latino descent in gnomAD. At this time, the clinical significance of this variant is uncertain due to the absence of conclusive functional and genetic evidence.